The following is an entry in ClinVar:

NM_004006.3(DMD):c.6382A>T (p.Arg2128Ter)

Gene: DMD (dystrophin; minus strand). Cytogenetic location: Xp21.1.
Variant type: single nucleotide variant.
Coding change: c.6382A>T on transcript NM_004006.3 (MANE Select); coding-DNA position 6382, A replaced by T.
Protein change: p.Arg2128Ter; replaces arginine 2128 with a stop codon.
Molecular consequence: nonsense.
Genome position (GRCh38, 1-based): chrX:32,216,972, T>A on the plus strand (A>T on the coding strand, the complement: DMD is on the minus strand). VCF-style: chrX-32216972-T-A. GRCh37 (hg19) VCF-style: chrX-32235089-T-A.
Other names: c.6358A>T, p.Arg2120Ter (NM_000109.4); c.6370A>T, p.Arg2124Ter (NM_004009.3); c.6013A>T, p.Arg2005Ter (NM_004010.3); c.2359A>T, p.Arg787Ter (NM_004011.4); c.2350A>T, p.Arg784Ter (NM_004012.4); short protein forms R2128*, R784*, R787*, R2005*, R2120*, R2124*.
Identifiers: ClinVar variation 1806425 (VCV001806425.1), dbSNP rs2519058491, ClinGen allele CA412660594.
Genomic context (GRCh38, chrX:32,216,972, plus strand): 5'-TTACCTTAAGATACCATTTGTATTTAGCATGTTCCCAATTCTCAGGAATTTGTGTCTTTC[T>A]GAGAAACTGTTCAGCTTCTGTTAGCCACTGATTAAATATCTTTATATCATAATGAAAACG-3'

ClinVar aggregate classification (germline): Pathogenic (1 of 4 stars; one submission).

Conditions:
Duchenne muscular dystrophy (DMD). Also called: MUSCULAR DYSTROPHY, PSEUDOHYPERTROPHIC PROGRESSIVE, DUCHENNE TYPE; Duchenne Muscular Dystrophy (DMD). Identifiers: Orphanet 98896, MedGen C0013264, MONDO:0010679, OMIM 310200.

Submission:

Laboratory of Medical Genetics, National & Kapodistrian University of Athens
Classification: Pathogenic for Duchenne muscular dystrophy. Last evaluated: 2022-12-16. Review status: criteria provided, single submitter. Criteria: ACMG Guidelines, 2015. Collection method: clinical testing. Allele origin: germline. Affected: yes.
Comment: PVS1, PM2, PP5

Literature cited by the submitters: PubMed 33101180.